The following is an entry in ClinVar:

ClinVar aggregate classification (germline): Uncertain significance. Review status: criteria provided, multiple submitters, no conflicts (2 of 4 stars). 2 submissions from 2 submitters: Uncertain significance (2). Last evaluated 2025-06-14.

Conditions:
Hereditary cancer-predisposing syndrome. Also called: Hereditary Cancer Syndrome; Tumor predisposition; Hereditary neoplastic syndrome; Neoplastic Syndromes, Hereditary. Identifiers: Orphanet 140162, MedGen C0027672, MeSH D009386, MONDO:0015356.

Submissions (2):

Ambry Genetics
Classification: Uncertain significance for Hereditary cancer-predisposing syndrome. Last evaluated: 2025-06-14. Review status: criteria provided, single submitter. Criteria: Ambry Variant Classification Scheme 2023. Collection method: clinical testing. Allele origin: germline.
Comment: The p.H243R variant (also known as c.728A>G), located in coding exon 5 of the NTHL1 gene, results from an A to G substitution at nucleotide position 728. The histidine at codon 243 is replaced by arginine, an amino acid with highly similar properties. This amino acid position is conserved. In addition, this alteration is predicted to be deleterious by in silico analysis. Since supporting evidence is limited at this time, the clinical significance of this alteration remains unclear.

Labcorp Genetics (formerly Invitae), Labcorp
Classification: Uncertain significance. Last evaluated: 2024-06-21. Review status: criteria provided, single submitter. Criteria: Invitae Variant Classification Sherloc (09022015). Collection method: clinical testing. Allele origin: germline.
Comment: This sequence change replaces histidine, which is basic and polar, with arginine, which is basic and polar, at codon 243 of the NTHL1 protein (p.His243Arg). This variant is not present in population databases (gnomAD no frequency). This variant has not been reported in the literature in individuals affected with NTHL1-related conditions. ClinVar contains an entry for this variant (Variation ID: 1054760). An algorithm developed to predict the effect of missense changes on protein structure and function (PolyPhen-2) suggests that this variant is likely to be disruptive. In summary, the available evidence is currently insufficient to determine the role of this variant in disease. Therefore, it has been classified as a Variant of Uncertain Significance.

NM_002528.7(NTHL1):c.704A>G (p.His235Arg)

Gene: NTHL1 (nth like DNA glycosylase 1; minus strand). Cytogenetic location: 16p13.3.
Variant type: single nucleotide variant.
Coding change: c.704A>G on transcript NM_002528.7 (MANE Select); coding-DNA position 704, A replaced by G.
Protein change: p.His235Arg; replaces histidine 235 with arginine.
Molecular consequence: missense variant.
Genome position (GRCh38, 1-based): chr16:2,040,220, T>C on the plus strand (A>G on the coding strand, the complement: NTHL1 is on the minus strand). VCF-style: chr16-2040220-T-C. GRCh37 (hg19) VCF-style: chr16-2090221-T-C.
Other names: c.728A>G (NM_002528.5); c.533A>G, p.His178Arg (NM_001318193.2); c.374A>G, p.His125Arg (NM_001318194.2); short protein forms H125R, H178R, H235R.
Identifiers: ClinVar variation 1054760 (VCV001054760.11), dbSNP rs2150938418, ClinGen allele CA394289281.